The following is an entry in ClinVar:

NM_024675.4(PALB2):c.3297G>A (p.Thr1099=)

Gene: PALB2 (partner and localizer of BRCA2; minus strand). Cytogenetic location: 16p12.2.
Variant type: single nucleotide variant.
Coding change: c.3297G>A on transcript NM_024675.4 (MANE Select); coding-DNA position 3297, G replaced by A.
Protein change: p.Thr1099=; no amino-acid change (threonine 1099 retained).
Molecular consequence: synonymous variant.
Genome position (GRCh38, 1-based): chr16:23,607,917, C>T on the plus strand (G>A on the coding strand, the complement: PALB2 is on the minus strand). VCF-style: chr16-23607917-C-T. GRCh37 (hg19) VCF-style: chr16-23619238-C-T.
Identifiers: ClinVar variation 184415 (VCV000184415.36), dbSNP rs45565738, ClinGen allele CA188903.

ClinVar aggregate classification (germline): Benign/Likely benign. Review status: criteria provided, multiple submitters, no conflicts (2 of 4 stars). 13 submissions from 13 submitters: Benign (1); Likely benign (11). 1 of the submissions does not count toward it. Last evaluated 2026-01-21.

Conditions:
PALB2-related disorder. Also called: PALB2-related condition; PALB2-related disorders.
Breast-ovarian cancer, familial, susceptibility to, 5 (BROVCA5). Identifiers: MedGen C5830615, MONDO:0957530, OMIM 620442.
Familial ovarian cancer. Identifiers: MedGen C5679802, MONDO:0016248.
Hereditary cancer-predisposing syndrome. Also called: Tumor predisposition; Hereditary neoplastic syndrome; Neoplastic Syndromes, Hereditary; Hereditary Cancer Syndrome. Identifiers: Orphanet 140162, MedGen C0027672, MeSH D009386, MONDO:0015356.
Familial cancer of breast. Also called: Hereditary breast cancer; BREAST CANCER, FAMILIAL; hereditary breast carcinoma. Identifiers: Orphanet 227535, MedGen C0346153, MONDO:0016419, OMIM 114480. Disease mechanism: loss of function.
Fanconi anemia complementation group N. Also called: PALB2-Related Fanconi Anemia. Identifiers: Orphanet 84, MedGen C1835817, MONDO:0012565, OMIM 610832. Disease mechanism: loss of function.
Pancreatic cancer, susceptibility to, 3. Identifiers: Orphanet 1333, MedGen C3150547, MONDO:0013236, OMIM 613348.

Allele frequency attached by ClinVar (database versions not stated): gnomAD 0.00005 and 0.00006; TOPMed 0.00005; gnomAD exomes 0.00006; ESP Exome Variant Server 0.00008; ExAC 0.00010.
gnomAD v4.1: 84 of 1,613,952 alleles (0.0052%); highest among the groups gnomAD compares: Non-Finnish European, 0.0067%; no homozygotes.

Submissions (13):

Labcorp Genetics (formerly Invitae), Labcorp
Classification: Likely benign for Familial cancer of breast. Last evaluated: 2026-01-21. Review status: criteria provided, single submitter. Criteria: Invitae Variant Classification Sherloc (09022015). Collection method: clinical testing. Allele origin: germline.

Center for Genomic Medicine, Rigshospitalet, Copenhagen University Hospital
Classification: Likely benign. Last evaluated: 2025-03-04. Review status: criteria provided, single submitter. Criteria: ACMG Guidelines, 2015. Collection method: clinical testing. Allele origin: germline.

Myriad Genetics, Inc.
Classification: Benign for Familial cancer of breast. Last evaluated: 2025-01-22. Review status: criteria provided, single submitter. Criteria: Myriad Autosomal Dominant, Autosomal Recessive and X-Linked Classification Criteria (2023). Collection method: clinical testing. Allele origin: unknown.
Comment: This variant is considered benign. This variant is a silent/synonymous amino acid change and it is not expected to impact splicing.

Quest Diagnostics Nichols Institute San Juan Capistrano
Classification: Likely benign. Last evaluated: 2023-08-22. Review status: criteria provided, single submitter. Criteria: Quest Diagnostics criteria. Collection method: clinical testing. Allele origin: unknown.

KCCC/NGS Laboratory, Kuwait Cancer Control Center
Classification: Likely benign for Breast-ovarian cancer, familial, susceptibility to, 5. Last evaluated: 2023-07-07. Review status: criteria provided, single submitter. Criteria: ACMG Guidelines, 2015. Collection method: clinical testing. Allele origin: germline. Affected: yes.

Department of Pathology and Laboratory Medicine, Sinai Health System
Classification: Likely benign for Breast-ovarian cancer, familial, susceptibility to, 5. Last evaluated: 2022-03-22. Review status: criteria provided, single submitter. Criteria: ACMG Guidelines, 2015. Collection method: clinical testing. Allele origin: germline. Affected: yes.

Fulgent Genetics
Classification: Likely benign for Familial cancer of breast; Fanconi anemia complementation group N; Pancreatic cancer, susceptibility to, 3. Last evaluated: 2022-01-03. Review status: criteria provided, single submitter. Criteria: ACMG Guidelines, 2015. Collection method: clinical testing. Allele origin: unknown.

GeneDx
Classification: Likely benign. Last evaluated: 2020-11-04. Review status: criteria provided, single submitter. Criteria: GeneDx Variant Classification Process June 2021. Collection method: clinical testing. Allele origin: germline. Affected: yes.
Comment: This variant is associated with the following publications: (PMID: 24817641, 21618343, 28779002)

Genetics and Molecular Pathology, SA Pathology
Classification: Likely benign for Familial ovarian cancer. Last evaluated: 2020-03-02. Review status: criteria provided, single submitter. Criteria: ACMG Guidelines, 2015. Collection method: clinical testing. Allele origin: germline. Affected: yes.

Women's Health and Genetics/Laboratory Corporation of America, LabCorp
Classification: Likely benign. Last evaluated: 2019-08-29. Review status: criteria provided, single submitter. Criteria: LabCorp Variant Classification Summary - May 2015. Collection method: clinical testing. Allele origin: germline.

Color Diagnostics, LLC DBA Color Health
Classification: Likely benign for Hereditary cancer-predisposing syndrome. Last evaluated: 2017-01-17. Review status: criteria provided, single submitter. Criteria: ACMG Guidelines, 2015. Collection method: clinical testing. Allele origin: germline.

Ambry Genetics
Classification: Likely benign for Hereditary cancer-predisposing syndrome. Last evaluated: 2014-09-23. Review status: criteria provided, single submitter. Criteria: Ambry Variant Classification Scheme 2023. Collection method: clinical testing. Allele origin: germline.

PreventionGenetics, part of Exact Sciences
Classification: Likely benign for PALB2-related condition. Last evaluated: 2019-12-17. Review status: no assertion criteria provided. Collection method: clinical testing. Allele origin: germline. Not counted in ClinVar's aggregate classification.
Comment: This variant is classified as likely benign based on ACMG/AMP sequence variant interpretation guidelines (Richards et al. 2015 PMID: 25741868, with internal and published modifications).

Literature cited by the submitters: PubMed 30287823 (cited by Quest Diagnostics Nichols Institute San Juan Capistrano); PubMed 28779002 (cited by Quest Diagnostics Nichols Institute San Juan Capistrano); PubMed 21618343 (cited by Quest Diagnostics Nichols Institute San Juan Capistrano); PubMed 17200668 (cited by Quest Diagnostics Nichols Institute San Juan Capistrano).